The following is an entry in ClinVar:

ClinVar aggregate classification (germline): Uncertain significance. Review status: criteria provided, multiple submitters, no conflicts (2 of 4 stars). 3 submissions from 3 submitters: Uncertain significance (3). Last evaluated 2022-04-15.

Conditions:
Hereditary breast ovarian cancer syndrome. Also called: Hereditary breast and ovarian cancer; Hereditary breast and ovarian cancer syndrome; Hereditary breast and/or ovarian cancer syndrome; BRCA1- and BRCA2-Associated Hereditary Breast and Ovarian Cancer; Hereditary breast and ovarian cancer syndrome (HBOC); Breast and ovarian cancer. Identifiers: Orphanet 145, MedGen C0677776, MeSH D061325, MONDO:0003582. Disease mechanism: loss of function.

Submissions (3):

Labcorp Genetics (formerly Invitae), Labcorp
Classification: Uncertain significance for Hereditary breast ovarian cancer syndrome. Last evaluated: 2022-04-15. Review status: criteria provided, single submitter. Criteria: Invitae Variant Classification Sherloc (09022015). Collection method: clinical testing. Allele origin: germline.
Comment: In summary, the available evidence is currently insufficient to determine the role of this variant in disease. Therefore, it has been classified as a Variant of Uncertain Significance. Variants that disrupt the consensus splice site are a relatively common cause of aberrant splicing (PMID: 17576681, 9536098). Algorithms developed to predict the effect of sequence changes on RNA splicing suggest that this variant may disrupt the consensus splice site. ClinVar contains an entry for this variant (Variation ID: 1172890). This variant has not been reported in the literature in individuals affected with BRCA2-related conditions. This variant is not present in population databases (gnomAD no frequency). This sequence change falls in intron 18 of the BRCA2 gene. It does not directly change the encoded amino acid sequence of the BRCA2 protein. It affects a nucleotide within the consensus splice site.

Women's Health and Genetics/Laboratory Corporation of America, LabCorp
Classification: Uncertain significance. Last evaluated: 2021-05-23. Review status: criteria provided, single submitter. Criteria: LabCorp Variant Classification Summary - May 2015. Collection method: clinical testing. Allele origin: germline.
Comment: Variant summary: BRCA2 c.8332-2dupA is located in a canonical splice-site and is predicted to affect mRNA splicing resulting in a significantly altered protein due to either exon skipping, shortening, or inclusion of intronic material. Several computational tools predict a significant impact on normal splicing: Two predict the variant weakens the canonical 3' acceptor site. Two predict the variant abolishes the canonical 3' acceptor site. However, these predictions have yet to be confirmed by functional studies. The variant was absent in 251390 control chromosomes. To our knowledge, no occurrence of c.8332-2dupA in individuals affected with Hereditary Breast And Ovarian Cancer Syndrome and no experimental evidence demonstrating its impact on protein function have been reported. No clinical diagnostic laboratories have submitted clinical-significance assessments for this variant to ClinVar after 2014. Based on the evidence outlined above, the variant was classified as VUS-possibly pathogenic.

Quest Diagnostics Nichols Institute San Juan Capistrano
Classification: Uncertain significance. Last evaluated: 2021-04-30. Review status: criteria provided, single submitter. Criteria: Quest Diagnostics criteria. Collection method: clinical testing. Allele origin: unknown.

Literature cited by the submitters: PubMed 17576681 (cited by Labcorp Genetics (formerly Invitae), Labcorp); PubMed 9536098 (cited by Labcorp Genetics (formerly Invitae), Labcorp).

NM_000059.4(BRCA2):c.8332-2dup

Gene: BRCA2 (BRCA2 DNA repair associated; plus strand). Cytogenetic location: 13q13.1.
Variant type: Duplication.
Coding change: c.8332-2dup on transcript NM_000059.4 (MANE Select); the canonical splice acceptor site of the intron before coding-DNA position 8332, one base duplicated (A; older notation c.8332-2dupA).
Molecular consequence: splice acceptor variant.
Genome position (GRCh38, 1-based): chr13:32,370,400, A duplicated. VCF-style (leftmost placement, unchanged base first): chr13-32370399-C-CA. GRCh37 (hg19) VCF-style: chr13-32944536-C-CA.
Other names: c.8332-2dupA (NM_000059.3); c.8332-2dup (NM_001406720.1); c.8236-2dup (NM_001406719.1); c.3400-2dup (NM_001406721.1); c.1915-2dup (NM_001406722.1).
Identifiers: ClinVar variation 1172890 (VCV001172890.7), dbSNP rs2137596307, ClinGen allele CA2499222325.